The following is an entry in ClinVar:

NM_198253.3(TERT):c.2789G>T (p.Trp930Leu)

Gene: TERT (telomerase reverse transcriptase; minus strand). Cytogenetic location: 5p15.33.
Variant type: single nucleotide variant.
Coding change: c.2789G>T on transcript NM_198253.3 (MANE Select); coding-DNA position 2789, G replaced by T.
Protein change: p.Trp930Leu; replaces tryptophan 930 with leucine.
Molecular consequence: missense variant. On other transcripts: intron variant (1).
Genome position (GRCh38, 1-based): chr5:1,264,458, C>A on the plus strand (G>T on the coding strand, the complement: TERT is on the minus strand). VCF-style: chr5-1264458-C-A. GRCh37 (hg19) VCF-style: chr5-1264573-C-A.
Other names: c.2654+2006G>T (NM_001193376.3); short protein forms W930L.
Identifiers: ClinVar variation 1018010 (VCV001018010.9), dbSNP rs1748452946, ClinGen allele CA359071606.

ClinVar aggregate classification (germline): Uncertain significance (1 of 4 stars; one submission).

Conditions:
Idiopathic Pulmonary Fibrosis. Also called: Idiopathic fibrosing alveolitis, chronic form; idiopathic fibrosing alveolitis. Identifiers: Orphanet 2032, MedGen C1800706, MeSH D054990, MONDO:0800504.
Dyskeratosis congenita, autosomal dominant 2. Identifiers: MedGen C3151443, MONDO:0013521, OMIM 613989.

Submission:

Labcorp Genetics (formerly Invitae), Labcorp
Classification: Uncertain significance for Dyskeratosis congenita, autosomal dominant 2; Idiopathic Pulmonary Fibrosis. Last evaluated: 2020-06-07. Review status: criteria provided, single submitter. Criteria: Invitae Variant Classification Sherloc (09022015). Collection method: clinical testing. Allele origin: germline.
Comment: This sequence change replaces tryptophan with leucine at codon 930 of the TERT protein (p.Trp930Leu). The tryptophan residue is highly conserved and there is a small physicochemical difference between tryptophan and leucine. This variant is not present in population databases (ExAC no frequency). This variant has not been reported in the literature in individuals with TERT-related conditions. Algorithms developed to predict the effect of missense changes on protein structure and function are either unavailable or do not agree on the potential impact of this missense change (SIFT: "Deleterious"; PolyPhen-2: "Probably Damaging"; Align-GVGD: "Class C0"). In summary, the available evidence is currently insufficient to determine the role of this variant in disease. Therefore, it has been classified as a Variant of Uncertain Significance.